The following is an entry in ClinVar:

NM_000059.4(BRCA2):c.8243G>T (p.Gly2748Val)

Gene: BRCA2 (BRCA2 DNA repair associated; plus strand). Cytogenetic location: 13q13.1.
Variant type: single nucleotide variant.
Coding change: c.8243G>T on transcript NM_000059.4 (MANE Select); coding-DNA position 8243, G replaced by T.
Protein change: p.Gly2748Val; replaces glycine 2748 with valine.
Molecular consequence: missense variant.
Genome position (GRCh38, 1-based): chr13:32,363,445, G>T. VCF-style: chr13-32363445-G-T. GRCh37 (hg19) VCF-style: chr13-32937582-G-T.
Other names: NM_000059.4(BRCA2):c.8243G>T; p.Gly2748Val; short protein forms G2748V.
Identifiers: ClinVar variation 1171382 (VCV001171382.13), dbSNP rs80359071, ClinGen allele CA387749910.

ClinVar aggregate classification (germline): Likely pathogenic. Review status: reviewed by expert panel (3 of 4 stars). 4 submissions from 4 submitters: Likely pathogenic (1). 3 of the submissions do not count toward it. Last evaluated 2026-07-15.

Conditions:
Hereditary cancer-predisposing syndrome. Also called: Neoplastic Syndromes, Hereditary; Tumor predisposition; Hereditary Cancer Syndrome; Hereditary neoplastic syndrome. Identifiers: Orphanet 140162, MedGen C0027672, MeSH D009386, MONDO:0015356.
Hereditary breast ovarian cancer syndrome. Also called: Hereditary breast and ovarian cancer; BRCA1- and BRCA2-Associated Hereditary Breast and Ovarian Cancer; Hereditary breast and/or ovarian cancer syndrome; Breast and ovarian cancer; Hereditary breast and ovarian cancer syndrome; Hereditary breast and ovarian cancer syndrome (HBOC). Identifiers: Orphanet 145, MedGen C0677776, MeSH D061325, MONDO:0003582. Disease mechanism: loss of function.
BRCA2-related cancer predisposition. Identifiers: MedGen CN377758, MONDO:0700269.

Submissions (4):

ClinGen ENIGMA BRCA1 and BRCA2 Variant Curation Expert Panel, ClinGen
Classification: Likely pathogenic for BRCA2-related cancer predisposition. Last evaluated: 2026-07-15. Review status: reviewed by expert panel. Criteria: CSpec BRCA1/2ACMG Rules Specifications V1.2. Collection method: curation. Allele origin: germline. Inheritance: Autosomal dominant inheritance.
Comment: The c.8243G>T variant in BRCA2 is a missense variant predicted to cause substitution of glycine by valine at amino acid 2748 (p.(p.Gly2748Val)). This variant is absent from gnomAD v4.1 (read depth ≥25x in >90% samples, PM2_Supporting met). This BRCA2 missense variant is within a key functional domain and the computational predictor BayesDel (noAF) gives a score of 0.45, above the recommended threshold of 0.30 for prediction of impact on BRCA2 function via protein change. A SpliceAI score of 0.00 predicts no impact on splicing (score threshold ≤0.1) (PP3). Reported by two calibrated studies to exhibit protein function similar to pathogenic control variants (PMIDs: 39779857, 39779848) (PS3 met). In summary, this variant meets the criteria to be classified as a Likely pathogenic variant for BRCA2-related cancer predisposition based on the ACMG/AMP criteria applied as specified by the ENIGMA BRCA1/2 VCEP (PM2_Supporting, PP3, PS3).

Ambry Genetics
Classification: Pathogenic for Hereditary cancer-predisposing syndrome. Last evaluated: 2026-08-26. Review status: criteria provided, single submitter. Criteria: Ambry Variant Classification Scheme 2023. Collection method: clinical testing. Allele origin: germline. Not counted in ClinVar's aggregate classification.
Comment: The p.G2748V pathogenic mutation (also known as c.8243G>T), located in coding exon 17 of the BRCA2 gene, results from a G to T substitution at nucleotide position 8243. The glycine at codon 2748 is replaced by valine, an amino acid with dissimilar properties. Two saturation genome editing-based studies, including a haploid cell-survival assay and a humanized mouse embryonic stem cell line assay of drug response and survival, demonstrate that this nucleotide substitution is non-functional(Huang H et al. Nature. 2025 Feb;638(8050):528-537; Sahu S et al. Nature. 2025 Feb;638(8050):538-545). Other alterations at the same codon, p.G2748S (c.8242G>A) and p.G2748D (c.8243G>A), are non-functional across multiple functional studies (Guidugli L et al. Cancer Res. 2013 Jan;73:265-75; Guidugli L et al. Hum. Mutat. 2014 Feb;35:151-64; Guidugli L et al. Am J Hum Genet. 2018 Feb 1;102(2):233-248; Mesman RLS et al. Genet Med. 2018 Jul 10; Ikegami M. et al. Nat Commun. 2020 May;11(1):2573; Richardson ME et al. Am J Hum Genet, 2021 03;108:458-468). This variant is considered to be rare based on population cohorts in the Genome Aggregation Database (gnomAD). This amino acid position is highly conserved in available vertebrate species. In addition, this alteration is predicted to be deleterious by in silico analysis. Based on the supporting evidence, this variant is interpreted as a disease-causing mutation.

Color Diagnostics, LLC DBA Color Health
Classification: Uncertain significance for Hereditary cancer-predisposing syndrome. Last evaluated: 2022-04-14. Review status: criteria provided, single submitter. Criteria: ACMG Guidelines, 2015. Collection method: clinical testing. Allele origin: germline. Not counted in ClinVar's aggregate classification.
Comment: This missense variant replaces glycine with valine at codon 2748 of the BRCA2 protein. Computational prediction suggests that this variant may have deleterious impact on protein structure and function (internally defined REVEL score threshold >= 0.7, PMID: 27666373). To our knowledge, functional studies have not been reported for this variant. This variant has not been reported in individuals affected with hereditary cancer in the literature. This variant has not been identified in the general population by the Genome Aggregation Database (gnomAD). The available evidence is insufficient to determine the role of this variant in disease conclusively. Therefore, this variant is classified as a Variant of Uncertain Significance.

Labcorp Genetics (formerly Invitae), Labcorp
Classification: Likely pathogenic for Hereditary breast ovarian cancer syndrome. Last evaluated: 2021-10-24. Review status: criteria provided, single submitter. Criteria: Invitae Variant Classification Sherloc (09022015). Collection method: clinical testing. Allele origin: germline. Not counted in ClinVar's aggregate classification.
Comment: In summary, the currently available evidence indicates that the variant is pathogenic, but additional data are needed to prove that conclusively. Therefore, this variant has been classified as Likely Pathogenic. This variant disrupts the p.Gly2748 amino acid residue in BRCA2. Other variant(s) that disrupt this residue have been determined to be pathogenic (PMID: 15026808, 17924331, 18451181, 21671020, 22711857, 23108138). This suggests that this residue is clinically significant, and that variants that disrupt this residue are likely to be disease-causing. Advanced modeling of protein sequence and biophysical properties (such as structural, functional, and spatial information, amino acid conservation, physicochemical variation, residue mobility, and thermodynamic stability) performed at Invitae indicates that this missense variant is expected to disrupt BRCA2 protein function. ClinVar contains an entry for this variant (Variation ID: 1171382). This variant has not been reported in the literature in individuals affected with BRCA2-related conditions. This variant is not present in population databases (gnomAD no frequency). This sequence change replaces glycine, a(n) neutral and non-polar amino acid, with valine, a(n) neutral and non-polar amino acid, at codon 2748 of the BRCA2 protein (p.Gly2748Val).

Literature cited by the submitters: PubMed 39779848 (cited by Ambry Genetics); PubMed 39779857 (cited by Ambry Genetics); PubMed 15026808 (cited by Labcorp Genetics (formerly Invitae), Labcorp); PubMed 17924331 (cited by Labcorp Genetics (formerly Invitae), Labcorp); PubMed 18451181 (cited by Labcorp Genetics (formerly Invitae), Labcorp); PubMed 21671020 (cited by Labcorp Genetics (formerly Invitae), Labcorp); PubMed 22711857 (cited by Labcorp Genetics (formerly Invitae), Labcorp); PubMed 23108138 (cited by Labcorp Genetics (formerly Invitae), Labcorp).